The following is an entry in ClinVar:

NM_000218.3(KCNQ1):c.1252-1G>C

Gene: KCNQ1 (potassium voltage-gated channel subfamily Q member 1; plus strand). Cytogenetic location: 11p15.5.
Variant type: single nucleotide variant.
Coding change: c.1252-1G>C on transcript NM_000218.3 (MANE Select); the canonical splice acceptor site of the intron before coding-DNA position 1252, G replaced by C.
Molecular consequence: splice acceptor variant.
Genome position (GRCh38, 1-based): chr11:2,588,712, G>C. VCF-style: chr11-2588712-G-C. GRCh37 (hg19) VCF-style: chr11-2609942-G-C.
Other names: c.1252-1G>C (NM_000218.2); c.982-1G>C (NM_001406837.1); c.1156-1G>C (NM_001406836.1); c.712-1G>C (NM_001406838.1); c.871-1G>C (NM_181798.2).
Identifiers: ClinVar variation 1342782 (VCV001342782.10), dbSNP rs1848628661, ClinGen allele CA379134891.

ClinVar aggregate classification (germline): Pathogenic/Likely pathogenic. Review status: criteria provided, multiple submitters, no conflicts (2 of 4 stars). 4 submissions from 4 submitters: Pathogenic (1); Likely pathogenic (3). Last evaluated 2026-07-22.

Conditions:
KCNQ1-related disorder. Also called: KCNQ1-related disorders; KCNQ1-related condition. Identifiers: MedGen CN239322.
Long QT syndrome (LQTS). Identifiers: MedGen C0023976, MeSH D008133, MONDO:0002442. Disease mechanism: loss of function. Inheritance: Various modes of inheritance.

Allele frequency attached by ClinVar (database versions not stated): gnomAD 0.00001.
gnomAD v4.1: 1 of 1,613,176 alleles (0.000062%); no homozygotes.

Submissions (4):

PreventionGenetics, part of Exact Sciences
Classification: Likely pathogenic for KCNQ1-related condition. Last evaluated: 2026-07-22. Review status: criteria provided, single submitter. Criteria: ACMG Guidelines, 2015. Collection method: clinical testing. Allele origin: germline.
Comment: The KCNQ1 c.1252-1G>C variant is predicted to disrupt the AG splice acceptor site and interfere with normal splicing. To our knowledge, this variant has not been reported in the literature or in a large population database (gnomAD), indicating this variant is rare. An alternate variant (c.1252-1G>A) has been reported in a patient with long QT syndrome (Schwartz et al. 2021. PubMed ID: 34505893). Variants that disrupt the consensus splice acceptor site in KCNQ1 are expected to be pathogenic. This variant is interpreted as likely pathogenic.

Dasa
Classification: Pathogenic. Last evaluated: 2025-09-20. Review status: criteria provided, single submitter. Criteria: DASA Assertion Criteria. Collection method: clinical testing. Allele origin: germline.
Comment: NM_000218.3(KCNQ1):c.1252-1G>C introduces a premature termination codon predicted to result in loss of normal protein function. Loss-of-function is an established mechanism of disease for this gene. This variant results in the same amino acid change as a previously established pathogenic variant. The variant is present at low frequency in population datasets. Based on the available data, this variant is classified as pathogenic.

Labcorp Genetics (formerly Invitae), Labcorp
Classification: Likely pathogenic for Long QT syndrome. Last evaluated: 2025-08-20. Review status: criteria provided, single submitter. Criteria: Invitae Variant Classification Sherloc (09022015). Collection method: clinical testing. Allele origin: germline.
Comment: This sequence change affects an acceptor splice site in intron 9 of the KCNQ1 gene. It is expected to disrupt RNA splicing. Variants that disrupt the donor or acceptor splice site typically lead to a loss of protein function (PMID: 16199547), and loss-of-function variants in KCNQ1 are known to be pathogenic (PMID: 9323054, 19862833). This variant is not present in population databases (gnomAD no frequency). Disruption of this splice site has been observed in individual(s) with long QT syndrome (PMID: 34505893). ClinVar contains an entry for this variant (Variation ID: 1342782). Algorithms developed to predict the effect of sequence changes on RNA splicing suggest that this variant may disrupt the consensus splice site. In summary, the currently available evidence indicates that the variant is pathogenic, but additional data are needed to prove that conclusively. Therefore, this variant has been classified as Likely Pathogenic.

GeneDx
Classification: Likely pathogenic. Last evaluated: 2025-05-20. Review status: criteria provided, single submitter. Criteria: GeneDx Variant Classification Process June 2021. Collection method: clinical testing. Allele origin: germline. Affected: yes.
Comment: Canonical splice site variant predicted to result in a null allele in a gene for which loss of function is a known mechanism of disease; Not observed at significant frequency in large population cohorts (gnomAD); Has not been previously published as pathogenic or benign to our knowledge

Literature cited by the submitters: PubMed 16199547 (cited by Labcorp Genetics (formerly Invitae), Labcorp); PubMed 9323054 (cited by Labcorp Genetics (formerly Invitae), Labcorp); PubMed 19862833 (cited by Labcorp Genetics (formerly Invitae), Labcorp); PubMed 34505893 (cited by Labcorp Genetics (formerly Invitae), Labcorp).